The following is an entry in ClinVar:

ClinVar aggregate classification (germline): Uncertain significance. Review status: criteria provided, multiple submitters, no conflicts (2 of 4 stars). 3 submissions from 3 submitters: Uncertain significance (3). Last evaluated 2025-10-19.

Conditions:
Aortic aneurysm, familial thoracic 7 (AAT7). Also called: AORTIC DISSECTION, FAMILIAL, WITH OR WITHOUT AORTIC ANEURYSM. Identifiers: MedGen C3151077, MONDO:0013418, OMIM 613780.
Megacystis-microcolon-intestinal hypoperistalsis syndrome 1. Identifiers: MedGen C5542316, MONDO:0100354, OMIM 249210.
Familial thoracic aortic aneurysm and aortic dissection (TAAD). Also called: Thoracic aortic aneurysms and dissections. Identifiers: Orphanet 91387, MedGen C4707243, MONDO:0019625.

Allele frequency attached by ClinVar (database versions not stated): gnomAD exomes below 0.00001 and 0.00001; gnomAD 0.00001; TOPMed 0.00001.
gnomAD v4.1: 5 of 1,613,372 alleles (0.00031%); highest among the groups gnomAD compares: African/African-American, 0.0027%; no homozygotes.

Submissions (3):

Labcorp Genetics (formerly Invitae), Labcorp
Classification: Uncertain significance for Aortic aneurysm, familial thoracic 7. Last evaluated: 2025-10-19. Review status: criteria provided, single submitter. Criteria: Invitae Variant Classification Sherloc (09022015). Collection method: clinical testing. Allele origin: germline.
Comment: This sequence change replaces aspartic acid, which is acidic and polar, with glutamic acid, which is acidic and polar, at codon 980 of the MYLK protein (p.Asp980Glu). This variant is present in population databases (no rsID available, gnomAD 0.0009%). This variant has not been reported in the literature in individuals affected with MYLK-related conditions. ClinVar contains an entry for this variant (Variation ID: 839041). Invitae Evidence Modeling of protein sequence and biophysical properties (such as structural, functional, and spatial information, amino acid conservation, physicochemical variation, residue mobility, and thermodynamic stability) indicates that this missense variant is not expected to disrupt MYLK protein function with a negative predictive value of 80%. In summary, the available evidence is currently insufficient to determine the role of this variant in disease. Therefore, it has been classified as a Variant of Uncertain Significance.

Ambry Genetics
Classification: Uncertain significance for Familial thoracic aortic aneurysm and aortic dissection. Last evaluated: 2023-02-23. Review status: criteria provided, single submitter. Criteria: Ambry Variant Classification Scheme 2023. Collection method: clinical testing. Allele origin: germline.
Comment: The p.D980E variant (also known as c.2940T>G), located in coding exon 15 of the MYLK gene, results from a T to G substitution at nucleotide position 2940. The aspartic acid at codon 980 is replaced by glutamic acid, an amino acid with highly similar properties. This amino acid position is conserved. In addition, this alteration is predicted to be tolerated by in silico analysis. Since supporting evidence is limited at this time, the clinical significance of this alteration remains unclear.

Fulgent Genetics
Classification: Uncertain significance for Megacystis-microcolon-intestinal hypoperistalsis syndrome 1; Aortic aneurysm, familial thoracic 7. Last evaluated: 2021-10-26. Review status: criteria provided, single submitter. Criteria: ACMG Guidelines, 2015. Collection method: clinical testing. Allele origin: unknown.

NM_053025.4(MYLK):c.2940T>G (p.Asp980Glu)

Gene: MYLK (myosin light chain kinase; minus strand). Cytogenetic location: 3q21.1.
Variant type: single nucleotide variant.
Coding change: c.2940T>G on transcript NM_053025.4 (MANE Select); coding-DNA position 2940, T replaced by G.
Protein change: p.Asp980Glu; replaces aspartic acid 980 with glutamic acid.
Molecular consequence: missense variant.
Genome position (GRCh38, 1-based): chr3:123,700,528, A>C on the plus strand (T>G on the coding strand, the complement: MYLK is on the minus strand). VCF-style: chr3-123700528-A-C. GRCh37 (hg19) VCF-style: chr3-123419375-A-C.
Other names: c.2412T>G, p.Asp804Glu (NM_001321309.2); c.2733T>G, p.Asp911Glu (NM_053026.4, NM_053028.4); c.2940T>G, p.Asp980Glu (NM_053027.4); short protein forms D804E, D980E, D911E.
Identifiers: ClinVar variation 839041 (VCV000839041.11), dbSNP rs879643674, ClinGen allele CA82924997.
Genomic context (GRCh38, chr3:123,700,528, plus strand): 5'-GGCACTGCTGCTGCCATTCTCTGCTGGTAATTTCTTCTTGCCACCCAGCACTGAGCGAAA[A>C]TCCGGGGTGGCAGGTTTTGGCGGTGGCACCTTCTCAGGCACGGGGGTCTTGGAAGTCCCC-3'
Protein context (NP_444253.3, residues 970-990): KVPPPKPATP[Asp980Glu]FRSVLGGKKK